The following is an entry in ClinVar:

ClinVar aggregate classification (germline): Uncertain significance (1 of 4 stars; one submission).

Allele frequency attached by ClinVar (database versions not stated): ExAC 0.00001; gnomAD 0.00001; gnomAD exomes 0.00001; TOPMed 0.00001.
gnomAD v4.1: 5 of 1,612,784 alleles (0.00031%); highest among the groups gnomAD compares: Non-Finnish European, 0.00042%; no homozygotes.

Submission:

Labcorp Genetics (formerly Invitae), Labcorp
Classification: Uncertain significance. Last evaluated: 2022-05-30. Review status: criteria provided, single submitter. Criteria: Invitae Variant Classification Sherloc (09022015). Collection method: clinical testing. Allele origin: germline.
Comment: This sequence change replaces glycine, which is neutral and non-polar, with alanine, which is neutral and non-polar, at codon 654 of the MME protein (p.Gly654Ala). This variant is present in population databases (rs759630904, gnomAD 0.002%). This variant has not been reported in the literature in individuals affected with MME-related conditions. Algorithms developed to predict the effect of missense changes on protein structure and function are either unavailable or do not agree on the potential impact of this missense change (SIFT: "Deleterious"; PolyPhen-2: "Probably Damaging"; Align-GVGD: "Class C0"). In summary, the available evidence is currently insufficient to determine the role of this variant in disease. Therefore, it has been classified as a Variant of Uncertain Significance.

NM_007289.4(MME):c.1961G>C (p.Gly654Ala)

Gene: MME (membrane metalloendopeptidase; plus strand). Cytogenetic location: 3q25.2.
Variant type: single nucleotide variant.
Coding change: c.1961G>C on transcript NM_007289.4 (MANE Select); coding-DNA position 1961, G replaced by C.
Protein change: p.Gly654Ala; replaces glycine 654 with alanine.
Molecular consequence: missense variant.
Genome position (GRCh38, 1-based): chr3:155,168,778, G>C. VCF-style: chr3-155168778-G-C. GRCh37 (hg19) VCF-style: chr3-154886567-G-C.
Other names: c.1961G>C, p.Gly654Ala (NM_000902.5, NM_001354642.2, NM_001354643.1 and 2 more transcripts); short protein forms G654A.
Identifiers: ClinVar variation 1971129 (VCV001971129.2), dbSNP rs759630904, ClinGen allele CA2675697.